The following is an entry in ClinVar:

ClinVar aggregate classification (germline): Pathogenic (1 of 4 stars; one submission).

Conditions:
Developmental and epileptic encephalopathy 94 (DEE94). Also called: CHD2-Related Neurodevelopmental Disorders; Epileptic encephalopathy, childhood-onset. Identifiers: Orphanet 1942, Orphanet 2382, MedGen C3809278, MONDO:0014150, OMIM 615369.

Allele frequency attached by ClinVar (database versions not stated): gnomAD exomes below 0.00001.
gnomAD v4.1: 1 of 1,613,652 alleles (0.000062%); highest among the groups gnomAD compares: Non-Finnish European, 0.000085%; no homozygotes.

Submission:

Labcorp Genetics (formerly Invitae), Labcorp
Classification: Pathogenic for Developmental and epileptic encephalopathy 94. Last evaluated: 2021-03-25. Review status: criteria provided, single submitter. Criteria: Invitae Variant Classification Sherloc (09022015). Collection method: clinical testing. Allele origin: germline.
Comment: Advanced modeling of protein sequence and biophysical properties (such as structural, functional, and spatial information, amino acid conservation, physicochemical variation, residue mobility, and thermodynamic stability) performed at Invitae indicates that this missense variant is expected to disrupt CHD2 protein function. This variant disrupts the p.Arg846 amino acid residue in CHD2. Other variant(s) that disrupt this residue have been observed in individuals with CHD2-related conditions (PMID: 31677157), which suggests that this may be a clinically significant amino acid residue. For these reasons, this variant has been classified as Pathogenic. This variant has been observed in individual(s) with clinical features of CHD2-related conditions (Invitae). In at least one individual the variant was observed to be de novo. This sequence change replaces arginine with glycine at codon 846 of the CHD2 protein (p.Arg846Gly). The arginine residue is highly conserved and there is a moderate physicochemical difference between arginine and glycine. This variant is not present in population databases (ExAC no frequency).

Literature cited by the submitters: PubMed 31677157.

NM_001271.4(CHD2):c.2536C>G (p.Arg846Gly)

Gene: CHD2 (chromodomain helicase DNA binding protein 2; plus strand). Cytogenetic location: 15q26.1.
Variant type: single nucleotide variant.
Coding change: c.2536C>G on transcript NM_001271.4 (MANE Select); coding-DNA position 2536, C replaced by G.
Protein change: p.Arg846Gly; replaces arginine 846 with glycine.
Molecular consequence: missense variant.
Genome position (GRCh38, 1-based): chr15:92,974,909, C>G. VCF-style: chr15-92974909-C-G. GRCh37 (hg19) VCF-style: chr15-93518139-C-G.
Other names: short protein forms R846G.
Identifiers: ClinVar variation 1452140 (VCV001452140.8), dbSNP rs2141839141, ClinGen allele CA393893540.